The following is an entry in ClinVar:

NM_001035.3(RYR2):c.5223T>G (p.Asp1741Glu)

Gene: RYR2 (ryanodine receptor 2; plus strand). Cytogenetic location: 1q43.
Variant type: single nucleotide variant.
Coding change: c.5223T>G on transcript NM_001035.3 (MANE Select); coding-DNA position 5223, T replaced by G.
Protein change: p.Asp1741Glu; replaces aspartic acid 1741 with glutamic acid.
Molecular consequence: missense variant.
Genome position (GRCh38, 1-based): chr1:237,614,351, T>G. VCF-style: chr1-237614351-T-G. GRCh37 (hg19) VCF-style: chr1-237777651-T-G.
Other names: short protein forms D1741E.
Identifiers: ClinVar variation 927636 (VCV000927636.11), dbSNP rs1421320653, ClinGen allele CA345404375.

ClinVar aggregate classification (germline): Uncertain significance. Review status: criteria provided, multiple submitters, no conflicts (2 of 4 stars). 2 submissions from 2 submitters: Uncertain significance (2). Last evaluated 2025-10-01.

Conditions:
Cardiomyopathy (CMYO). Also called: Cardiomyopathies. Identifiers: Orphanet 167848, MedGen C0878544, MONDO:0004994, HP:0001638. Inheritance: Various modes of inheritance.

Submissions (2):

CeGaT Center for Human Genetics Tuebingen
Classification: Uncertain significance. Last evaluated: 2025-10-01. Review status: criteria provided, single submitter. Criteria: CeGaT Center For Human Genetics Tuebingen Variant Classification Criteria Version 2. Collection method: clinical testing. Allele origin: germline. Affected: yes. Observed: 1 variant allele.
Comment: RYR2: PM2, BP4

Color Diagnostics, LLC DBA Color Health
Classification: Uncertain significance for Cardiomyopathy. Last evaluated: 2023-12-04. Review status: criteria provided, single submitter. Criteria: ACMG Guidelines, 2015. Collection method: clinical testing. Allele origin: germline.
Comment: This missense variant replaces aspartic acid with glutamic acid at codon 1741 of the RYR2 protein. Computational prediction tools and conservation analyses are inconclusive regarding the impact of this variant on the protein function. Computational splicing tools suggest that this variant may not impact RNA splicing. To our knowledge, functional assays have not been performed for this variant nor has this variant been reported in individuals affected with cardiovascular disorders in the literature. This variant has not been identified in the general population by the Genome Aggregation Database (gnomAD). Available evidence is insufficient to determine the role of this variant in disease conclusively. Therefore, this variant is classified as a Variant of Uncertain Significance.